The following is an entry in ClinVar:

NM_001009944.3(PKD1):c.12138+9C>T

Gene: PKD1 (polycystin 1, transient receptor potential channel interacting; minus strand). Cytogenetic location: 16p13.3.
Variant type: single nucleotide variant.
Coding change: c.12138+9C>T on transcript NM_001009944.3 (MANE Select); 9 bases into the intron after coding-DNA position 12138, C replaced by T.
Molecular consequence: intron variant.
Genome position (GRCh38, 1-based): chr16:2,090,665, G>A on the plus strand (C>T on the coding strand, the complement: PKD1 is on the minus strand). VCF-style: chr16-2090665-G-A. GRCh37 (hg19) VCF-style: chr16-2140666-G-A.
Other names: c.12135+9C>T (NM_000296.4).
Identifiers: ClinVar variation 4988687 (VCV004988687.1).

ClinVar aggregate classification (germline): Likely benign (1 of 4 stars; one submission).

Conditions:
PKD1-related disorder. Also called: PKD1-related condition.

gnomAD v4.1: 12 of 1,611,640 alleles (0.00074%); highest among the groups gnomAD compares: East Asian, 0.0022%; no homozygotes.

Submission:

PreventionGenetics, part of Exact Sciences
Classification: Likely benign for PKD1-related condition. Last evaluated: 2025-10-23. Review status: criteria provided, single submitter. Criteria: ACMG Guidelines, 2015. Collection method: clinical testing. Allele origin: germline.
Comment: This variant is classified as likely benign based on ACMG/AMP sequence variant interpretation guidelines (Richards et al. 2015 PMID: 25741868, with internal and published modifications).